The following is an entry in ClinVar:

NM_001009944.3(PKD1):c.7404C>G (p.Asn2468Lys)

Gene: PKD1 (polycystin 1, transient receptor potential channel interacting; minus strand). Cytogenetic location: 16p13.3.
Variant type: single nucleotide variant.
Coding change: c.7404C>G on transcript NM_001009944.3 (MANE Select); coding-DNA position 7404, C replaced by G.
Protein change: p.Asn2468Lys; replaces asparagine 2468 with lysine.
Molecular consequence: missense variant.
Genome position (GRCh38, 1-based): chr16:2,106,483, G>C on the plus strand (C>G on the coding strand, the complement: PKD1 is on the minus strand). VCF-style: chr16-2106483-G-C. GRCh37 (hg19) VCF-style: chr16-2156484-G-C.
Other names: c.7404C>G, p.Asn2468Lys (NM_000296.4); short protein forms N2468K.
Identifiers: ClinVar variation 1308356 (VCV001308356.2), dbSNP rs1320087186, ClinGen allele CA394369824.

ClinVar aggregate classification (germline): Uncertain significance (1 of 4 stars; one submission).

Submission:

GeneDx
Classification: Uncertain significance. Last evaluated: 2019-05-03. Review status: criteria provided, single submitter. Criteria: GeneDx Variant Classification Process June 2021. Collection method: clinical testing. Allele origin: germline. Affected: yes.
Comment: Not observed in large population cohorts (Lek et al., 2016); In silico analysis, which includes protein predictors and evolutionary conservation, supports a deleterious effect; Has not been previously published as pathogenic or benign to our knowledge